The following is an entry in ClinVar:

NM_002693.3(POLG):c.602T>G (p.Val201Gly)

Genes: POLG (DNA polymerase gamma, catalytic subunit; minus strand), POLGARF (POLG alternative reading frame; minus strand). Cytogenetic location: 15q26.1.
Variant type: single nucleotide variant.
Coding change: c.602T>G on transcript NM_002693.3 (MANE Select); coding-DNA position 602, T replaced by G.
Protein change: p.Val201Gly; replaces valine 201 with glycine.
Molecular consequence: missense variant.
Genome position (GRCh38, 1-based): chr15:89,333,153, A>C on the plus strand (T>G on the coding strand, the complement: POLG is on the minus strand). VCF-style: chr15-89333153-A-C. GRCh37 (hg19) VCF-style: chr15-89876384-A-C.
Other names: c.602T>G, p.Val201Gly (NM_001126131.2); short protein forms V201G.
Identifiers: ClinVar variation 458720 (VCV000458720.12), dbSNP rs750928338, ClinGen allele CA7725088.

ClinVar aggregate classification (germline): Uncertain significance. Review status: criteria provided, multiple submitters, no conflicts (2 of 4 stars). 2 submissions from 2 submitters: Uncertain significance (2). Last evaluated 2025-11-18.

Conditions:
Progressive sclerosing poliodystrophy (MTDPS4A). Also called: NEURONAL DEGENERATION OF CHILDHOOD WITH LIVER DISEASE, PROGRESSIVE; ALPERS PROGRESSIVE INFANTILE POLIODYSTROPHY; Alpers-Huttenlocher Syndrome (AHS); Mitochondrial DNA depletion syndrome 4A (Alpers type); Mitochondrial DNA Depletion Syndrome 4A; Alpers Syndrome. Identifiers: Orphanet 726, MedGen C0205710, MONDO:0008758, OMIM 203700.

Allele frequency attached by ClinVar (database versions not stated): ExAC 0.00001; gnomAD 0.00001; gnomAD exomes 0.00001; TOPMed 0.00004.
gnomAD v4.1: 18 of 1,540,028 alleles (0.0012%); highest among the groups gnomAD compares: African/African-American, 0.0028%; no homozygotes.

Submissions (2):

Labcorp Genetics (formerly Invitae), Labcorp
Classification: Uncertain significance for Progressive sclerosing poliodystrophy. Last evaluated: 2025-11-18. Review status: criteria provided, single submitter. Criteria: Invitae Variant Classification Sherloc (09022015). Collection method: clinical testing. Allele origin: germline.
Comment: This sequence change replaces valine, which is neutral and non-polar, with glycine, which is neutral and non-polar, at codon 201 of the POLG protein (p.Val201Gly). This variant is present in population databases (rs750928338, gnomAD 0.007%). This variant has not been reported in the literature in individuals affected with POLG-related conditions. ClinVar contains an entry for this variant (Variation ID: 458720). Invitae Evidence Modeling of protein sequence and biophysical properties (such as structural, functional, and spatial information, amino acid conservation, physicochemical variation, residue mobility, and thermodynamic stability) indicates that this missense variant is expected to disrupt POLG protein function with a positive predictive value of 95%. In summary, the available evidence is currently insufficient to determine the role of this variant in disease. Therefore, it has been classified as a Variant of Uncertain Significance.

GeneDx
Classification: Uncertain significance. Last evaluated: 2023-12-19. Review status: criteria provided, single submitter. Criteria: GeneDx Variant Classification Process June 2021. Collection method: clinical testing. Allele origin: germline. Affected: yes.
Comment: Not observed at significant frequency in large population cohorts (gnomAD); In silico analysis supports that this missense variant has a deleterious effect on protein structure/function; Has not been previously published as pathogenic or benign to our knowledge